The following is an entry in ClinVar:

NM_182925.5(FLT4):c.717G>A (p.Ser239=)

Gene: FLT4 (fms related receptor tyrosine kinase 4; minus strand). Cytogenetic location: 5q35.3.
Variant type: single nucleotide variant.
Coding change: c.717G>A on transcript NM_182925.5 (MANE Select); coding-DNA position 717, G replaced by A.
Protein change: p.Ser239=; no amino-acid change (serine 239 retained).
Molecular consequence: synonymous variant.
Genome position (GRCh38, 1-based): chr5:180,629,795, C>T on the plus strand (G>A on the coding strand, the complement: FLT4 is on the minus strand). VCF-style: chr5-180629795-C-T. GRCh37 (hg19) VCF-style: chr5-180056795-C-T.
Other names: c.717G>A, p.Ser239= (NM_001354989.2, NM_002020.5).
Identifiers: ClinVar variation 4979881 (VCV004979881.1).

ClinVar aggregate classification (germline): Likely benign (1 of 4 stars; one submission).

Conditions:
FLT4-related disorder. Also called: FLT4-related condition.

gnomAD v4.1: 50 of 1,612,452 alleles (0.0031%); highest among the groups gnomAD compares: African/African-American, 0.032%; no homozygotes.

Submission:

PreventionGenetics, part of Exact Sciences
Classification: Likely benign for FLT4-related condition. Last evaluated: 2025-06-12. Review status: criteria provided, single submitter. Criteria: ACMG Guidelines, 2015. Collection method: clinical testing. Allele origin: germline.
Comment: This variant is classified as likely benign based on ACMG/AMP sequence variant interpretation guidelines (Richards et al. 2015 PMID: 25741868, with internal and published modifications).